The following is an entry in ClinVar:

ClinVar aggregate classification (germline): Uncertain significance (1 of 4 stars; one submission).

Conditions:
Chromosome 2q32-q33 deletion syndrome (GLASS). Also called: 2q33.1 deletion syndrome; Glass syndrome. Identifiers: Orphanet 251019, MedGen C2676739, MONDO:0012864, OMIM 612313.

Allele frequency attached by ClinVar (database versions not stated): gnomAD exomes below 0.00001; TOPMed below 0.00001; gnomAD 0.00001.
gnomAD v4.1: 2 of 1,613,836 alleles (0.00012%); highest among the groups gnomAD compares: African/African-American, 0.0013%; no homozygotes.

Submission:

Labcorp Genetics (formerly Invitae), Labcorp
Classification: Uncertain significance for Chromosome 2q32-q33 deletion syndrome. Last evaluated: 2022-07-06. Review status: criteria provided, single submitter. Criteria: Invitae Variant Classification Sherloc (09022015). Collection method: clinical testing. Allele origin: germline.
Comment: Advanced modeling of protein sequence and biophysical properties (such as structural, functional, and spatial information, amino acid conservation, physicochemical variation, residue mobility, and thermodynamic stability) performed at Invitae indicates that this missense variant is not expected to disrupt SATB2 protein function. ClinVar contains an entry for this variant (Variation ID: 1391625). This variant has not been reported in the literature in individuals affected with SATB2-related conditions. This variant is not present in population databases (gnomAD no frequency). This sequence change replaces methionine, which is neutral and non-polar, with threonine, which is neutral and polar, at codon 441 of the SATB2 protein (p.Met441Thr). In summary, the available evidence is currently insufficient to determine the role of this variant in disease. Therefore, it has been classified as a Variant of Uncertain Significance.

NM_001172509.2(SATB2):c.1322T>C (p.Met441Thr)

Gene: SATB2 (SATB homeobox 2; minus strand). Cytogenetic location: 2q33.1.
Variant type: single nucleotide variant.
Coding change: c.1322T>C on transcript NM_001172509.2 (MANE Select); coding-DNA position 1322, T replaced by C.
Protein change: p.Met441Thr; replaces methionine 441 with threonine.
Molecular consequence: missense variant.
Genome position (GRCh38, 1-based): chr2:199,328,762, A>G on the plus strand (T>C on the coding strand, the complement: SATB2 is on the minus strand). VCF-style: chr2-199328762-A-G. GRCh37 (hg19) VCF-style: chr2-200193485-A-G.
Other names: c.1322T>C, p.Met441Thr (NM_001172517.1, NM_015265.4); short protein forms M441T.
Identifiers: ClinVar variation 1391625 (VCV001391625.4), dbSNP rs1294387707, ClinGen allele CA350386265.